The following is an entry in ClinVar:

NM_145290.4(ADGRA3):c.3272A>G (p.Asn1091Ser)

Gene: ADGRA3 (adhesion G protein-coupled receptor A3; minus strand). Cytogenetic location: 4p15.2.
Variant type: single nucleotide variant.
Coding change: c.3272A>G on transcript NM_145290.4 (MANE Select); coding-DNA position 3272, A replaced by G.
Protein change: p.Asn1091Ser; replaces asparagine 1091 with serine.
Molecular consequence: missense variant.
Genome position (GRCh38, 1-based): chr4:22,388,399, T>C on the plus strand (A>G on the coding strand, the complement: ADGRA3 is on the minus strand). VCF-style: chr4-22388399-T-C. GRCh37 (hg19) VCF-style: chr4-22390022-T-C.
Other names: c.3272A>G (NM_145290.2); short protein forms N1091S.
Identifiers: ClinVar variation 1051399 (VCV001051399.10), dbSNP rs369248230, ClinGen allele CA2873403.

ClinVar aggregate classification (germline): Uncertain significance. Review status: criteria provided, multiple submitters, no conflicts (2 of 4 stars). 2 submissions from 2 submitters: Uncertain significance (2). Last evaluated 2025-11-03.

Allele frequency attached by ClinVar (database versions not stated): ExAC 0.00002; gnomAD exomes 0.00002; TOPMed 0.00003; gnomAD 0.00005 and 0.00006; ESP Exome Variant Server 0.00008.
gnomAD v4.1: 84 of 1,613,972 alleles (0.0052%); highest among the groups gnomAD compares: African/African-American, 0.0093%; no homozygotes.

Submissions (2):

Ambry Genetics
Classification: Uncertain significance. Last evaluated: 2025-11-03. Review status: criteria provided, single submitter. Criteria: Ambry Variant Classification Scheme 2023. Collection method: clinical testing. Allele origin: germline.

Labcorp Genetics (formerly Invitae), Labcorp
Classification: Uncertain significance. Last evaluated: 2024-10-04. Review status: criteria provided, single submitter. Criteria: Invitae Variant Classification Sherloc (09022015). Collection method: clinical testing. Allele origin: germline.
Comment: This sequence change replaces asparagine, which is neutral and polar, with serine, which is neutral and polar, at codon 1091 of the ADGRA3 protein (p.Asn1091Ser). This variant is present in population databases (rs369248230, gnomAD 0.005%). This variant has not been reported in the literature in individuals affected with ADGRA3-related conditions. ClinVar contains an entry for this variant (Variation ID: 1051399). An algorithm developed to predict the effect of missense changes on protein structure and function outputs the following: PolyPhen-2: "Benign". The serine amino acid residue is found in multiple mammalian species, which suggests that this missense change does not adversely affect protein function. In summary, the available evidence is currently insufficient to determine the role of this variant in disease. Therefore, it has been classified as a Variant of Uncertain Significance.